The following is an entry in ClinVar:

NM_003193.5(TBCE):c.908dup (p.Ser304fs)

Gene: TBCE (tubulin folding cofactor E; plus strand). Cytogenetic location: 1q42.3.
Variant type: Duplication.
Coding change: c.908dup on transcript NM_003193.5 (MANE Select); coding-DNA position 908, one base duplicated (C; older notation c.908dupC).
Protein change: p.Ser304fs; shifts the reading frame from serine 304.
Molecular consequence: frameshift variant.
Genome position (GRCh38, 1-based): chr1:235,436,553, C duplicated. VCF-style (leftmost placement, unchanged base first): chr1-235436552-A-AC. GRCh37 (hg19) VCF-style: chr1-235599867-A-AC.
Other names: c.908dup, p.Ser304fs (NM_001079515.3); c.1061dup, p.Ser355fs (NM_001287801.2); c.569dup, p.Ser191fs (NM_001287802.2); short protein forms S304fs, S355fs, S191fs.
Identifiers: ClinVar variation 2829032 (VCV002829032.3), dbSNP rs2527038818, ClinGen allele CA2739273969.

ClinVar aggregate classification (germline): Pathogenic (1 of 4 stars; one submission).

Submission:

Labcorp Genetics (formerly Invitae), Labcorp
Classification: Pathogenic. Last evaluated: 2023-01-16. Review status: criteria provided, single submitter. Criteria: Invitae Variant Classification Sherloc (09022015). Collection method: clinical testing. Allele origin: germline.
Comment: This sequence change creates a premature translational stop signal (p.Ser304Valfs*24) in the TBCE gene. It is expected to result in an absent or disrupted protein product. Loss-of-function variants in TBCE are known to be pathogenic (PMID: 27666369, 34134906, 34356170). This variant is not present in population databases (gnomAD no frequency). This variant has not been reported in the literature in individuals affected with TBCE-related conditions. For these reasons, this variant has been classified as Pathogenic.

Literature cited by the submitters: PubMed 27666369; PubMed 34134906; PubMed 34356170.